The following is an entry in ClinVar:

NM_001366385.1(CARD14):c.646G>A (p.Ala216Thr)

Gene: CARD14 (caspase recruitment domain family member 14; plus strand). Cytogenetic location: 17q25.3.
Variant type: single nucleotide variant.
Coding change: c.646G>A on transcript NM_001366385.1 (MANE Select); coding-DNA position 646, G replaced by A.
Protein change: p.Ala216Thr; replaces alanine 216 with threonine.
Molecular consequence: missense variant. On other transcripts: non-coding transcript variant (1).
Genome position (GRCh38, 1-based): chr17:80,184,209, G>A. VCF-style: chr17-80184209-G-A. GRCh37 (hg19) VCF-style: chr17-78158008-G-A.
Other names: c.646G>A, p.Ala216Thr (NM_001257970.1, NM_024110.4); short protein forms A216T.
Identifiers: ClinVar variation 1441466 (VCV001441466.40), dbSNP rs574982768, ClinGen allele CA8816464.

ClinVar aggregate classification (germline): Conflicting classifications of pathogenicity. Review status: criteria provided, conflicting classifications (1 of 4 stars). 4 submissions from 4 submitters: Uncertain significance (2); Likely benign (2). Last evaluated 2025-03-23.

Conditions:
Pityriasis rubra pilaris (PRP). Also called: Pityriasis rubra pilaris--familial type. Identifiers: Orphanet 2897, MedGen C0032027, MONDO:0100017, OMIM 173200, MONDO:0008251.
Psoriasis 2. Identifiers: MedGen C1864497, MONDO:0011269, OMIM 602723.
Autoinflammatory syndrome. Identifiers: Orphanet 93665, MedGen C3890737, MONDO:0019751.

Allele frequency attached by ClinVar (database versions not stated): gnomAD 0.00005; gnomAD exomes 0.00005; ExAC 0.00006; TOPMed 0.00008; 1000 Genomes Project 30x 0.00016; 1000 Genomes Project 0.00020.
gnomAD v4.1: 79 of 1,543,960 alleles (0.0051%); highest among the groups gnomAD compares: East Asian, 0.024%; no homozygotes.

Submissions (4):

Labcorp Genetics (formerly Invitae), Labcorp
Classification: Uncertain significance for Pityriasis rubra pilaris; Psoriasis 2. Last evaluated: 2025-03-23. Review status: criteria provided, single submitter. Criteria: Invitae Variant Classification Sherloc (09022015). Collection method: clinical testing. Allele origin: germline.
Comment: This sequence change replaces alanine, which is neutral and non-polar, with threonine, which is neutral and polar, at codon 216 of the CARD14 protein (p.Ala216Thr). The frequency data for this variant in the population databases is considered unreliable, as metrics indicate poor data quality at this position in the gnomAD database. This missense change has been observed in individual(s) with psoriasis (PMID: 24999592, 26203641, 30387497). ClinVar contains an entry for this variant (Variation ID: 1441466). Invitae Evidence Modeling of protein sequence and biophysical properties (such as structural, functional, and spatial information, amino acid conservation, physicochemical variation, residue mobility, and thermodynamic stability) indicates that this missense variant is not expected to disrupt CARD14 protein function with a negative predictive value of 95%. Experimental studies have shown that this missense change affects CARD14 function (PMID: 26358359). In summary, the available evidence is currently insufficient to determine the role of this variant in disease. Therefore, it has been classified as a Variant of Uncertain Significance.

Blueprint Genetics
Classification: Likely benign. Last evaluated: 2024-08-01. Review status: criteria provided, single submitter. Criteria: ACMG Guidelines, 2015. Collection method: clinical testing. Allele origin: germline.

CeGaT Center for Human Genetics Tuebingen
Classification: Likely benign. Last evaluated: 2022-06-01. Review status: criteria provided, single submitter. Criteria: CeGaT Center For Human Genetics Tuebingen Variant Classification Criteria Version 2. Collection method: clinical testing. Allele origin: germline. Affected: yes. Observed: 1 variant allele.
Comment: CARD14: BP4

Genome Diagnostics Laboratory, The Hospital for Sick Children
Classification: Uncertain significance for Autoinflammatory syndrome. Last evaluated: 2017-03-14. Review status: criteria provided, single submitter. Criteria: ACMG Guidelines, 2015. Collection method: clinical testing. Allele origin: germline. Affected: yes.

Literature cited by the submitters: PubMed 24999592 (cited by Labcorp Genetics (formerly Invitae), Labcorp); PubMed 26203641 (cited by Labcorp Genetics (formerly Invitae), Labcorp); PubMed 30387497 (cited by Labcorp Genetics (formerly Invitae), Labcorp); PubMed 26358359 (cited by Labcorp Genetics (formerly Invitae), Labcorp).